The following is an entry in ClinVar:

NM_170675.5(MEIS2):c.500T>C (p.Leu167Pro)

Gene: MEIS2 (Meis homeobox 2; minus strand). Cytogenetic location: 15q14.
Variant type: single nucleotide variant.
Coding change: c.500T>C on transcript NM_170675.5 (MANE Select); coding-DNA position 500, T replaced by C.
Protein change: p.Leu167Pro; replaces leucine 167 with proline.
Molecular consequence: missense variant. On other transcripts: non-coding transcript variant (1).
Genome position (GRCh38, 1-based): chr15:37,093,720, A>G on the plus strand (T>C on the coding strand, the complement: MEIS2 is on the minus strand). VCF-style: chr15-37093720-A-G. GRCh37 (hg19) VCF-style: chr15-37385921-A-G.
Other names: c.500T>C, p.Leu167Pro (NM_001220482.2, NM_170674.5, NM_170676.5 and 1 more transcripts); c.461T>C, p.Leu154Pro (NM_002399.4, NM_172315.3); c.236T>C, p.Leu79Pro (NM_172316.3); short protein forms L154P, L167P, L79P.
Identifiers: ClinVar variation 5017899 (VCV005017899.1).

ClinVar aggregate classification (germline): Uncertain significance (1 of 4 stars; one submission).

Submission:

GeneDx
Classification: Uncertain significance. Last evaluated: 2026-03-31. Review status: criteria provided, single submitter. Criteria: GeneDx Variant Classification Process June 2021. Collection method: clinical testing. Allele origin: germline.
Comment: Not observed at significant frequency in large population cohorts (gnomAD); In silico analysis supports that this missense variant has a deleterious effect on protein structure/function; Has not been previously published as pathogenic or benign to our knowledge.